The following is an entry in ClinVar:

ClinVar aggregate classification (germline): Uncertain significance (1 of 4 stars; one submission).

Conditions:
Myofibrillar myopathy 4. Also called: Zaspopathy (type). Identifiers: Orphanet 98912, MedGen C4721886, MONDO:0012277, OMIM 609452.

Submission:

Labcorp Genetics (formerly Invitae), Labcorp
Classification: Uncertain significance for Myofibrillar myopathy 4. Last evaluated: 2025-12-15. Review status: criteria provided, single submitter. Criteria: Invitae Variant Classification Sherloc (09022015). Collection method: clinical testing. Allele origin: germline.
Comment: The LDB3 gene has multiple clinically relevant transcripts. This variant occurs in alternate transcript NM_007078.3, and corresponds to NM_001080116.1:c.321+1636C>T in the primary transcript. This sequence change replaces leucine, which is neutral and non-polar, with phenylalanine, which is neutral and non-polar, at codon 227 of the LDB3 protein (p.Leu227Phe). The frequency data for this variant in the population databases is considered unreliable, as metrics indicate poor data quality at this position in the gnomAD database. This missense change has been observed in individual(s) with congenital myasthenic syndrome-like features (PMID: 34749429). Experimental studies and prediction algorithms are not available or were not evaluated, and the functional significance of this variant is currently unknown. In summary, the available evidence is currently insufficient to determine the role of this variant in disease. Therefore, it has been classified as a Variant of Uncertain Significance.

Literature cited by the submitters: PubMed 34749429.

NM_007078.3(LDB3):c.679C>T (p.Leu227Phe)

Gene: LDB3 (LIM domain binding 3; plus strand). Cytogenetic location: 10q23.2.
Variant type: single nucleotide variant.
Coding change: c.679C>T on transcript NM_007078.3 (MANE Select); coding-DNA position 679, C replaced by T.
Protein change: p.Leu227Phe; replaces leucine 227 with phenylalanine.
Molecular consequence: missense variant. On other transcripts: intron variant (5).
Genome position (GRCh38, 1-based): chr10:86,681,793, C>T. VCF-style: chr10-86681793-C-T. GRCh37 (hg19) VCF-style: chr10-88441550-C-T.
Other names: c.679C>T, p.Leu227Phe (NM_001080115.2, NM_001171610.2, NM_001171611.2 and 3 more transcripts); c.321+1636C>T (NM_001368068.1, NM_001368066.1, NM_001080114.2 and 2 more transcripts); short protein forms L227F.
Identifiers: ClinVar variation 4701059 (VCV004701059.1).